The following is an entry in ClinVar:

NM_130839.5(UBE3A):c.2430_2433del (p.Asp810fs)

Genes: SNHG14 (small nucleolar RNA host gene 14; plus strand), UBE3A (ubiquitin protein ligase E3A; minus strand). Cytogenetic location: 15q11.2.
Variant type: Microsatellite.
Coding change: c.2430_2433del on transcript NM_130839.5 (MANE Select); coding-DNA positions 2430 to 2433, 4 bases deleted (CAGA; older notation c.2430_2433delCAGA).
Protein change: p.Asp810fs; shifts the reading frame from aspartic acid 810.
Molecular consequence: frameshift variant. On other transcripts: non-coding transcript variant (1).
Genome position (GRCh38, 1-based): chr15:25,340,150-25,340,153, TCTG deleted on the plus strand (CAGA on the coding strand, the reverse complement: UBE3A is on the minus strand); deleting any 4 consecutive bases within chr15:25,340,150-25,340,158 gives the same sequence; the c. name uses the placement nearest the transcript's 3' end. VCF-style (leftmost placement, unchanged base first): chr15-25340149-CTCTG-C. GRCh37 (hg19) VCF-style: chr15-25585296-CTCTG-C.
Other names: c.2439_2442del, p.Asp813fs (NM_000462.5); c.2430_2433del, p.Asp810fs (NM_001354505.1, NM_001354538.2); c.2370_2373del, p.Asp790fs (NM_001354506.2, NM_001354507.2, NM_001354508.2 and 14 more transcripts); c.2274_2277del, p.Asp758fs (NM_001354545.2); c.2253_2256del, p.Asp751fs (NM_001354546.2); c.2214_2217del, p.Asp738fs (NM_001354547.2, NM_001354548.2); c.2205_2208del, p.Asp735fs (NM_001354549.2); c.1179_1182del, p.Asp393fs (NM_001354550.2); and 1 more; short protein forms D735fs, D751fs, D813fs, D393fs, D758fs, D790fs, D738fs, D810fs.
Identifiers: ClinVar variation 155976 (VCV000155976.49), dbSNP rs587781225, ClinGen allele CA333353.

ClinVar aggregate classification (germline): Pathogenic. Review status: criteria provided, multiple submitters, no conflicts (2 of 4 stars). 4 submissions from 4 submitters: Pathogenic (3). 1 of the submissions does not count toward it. Last evaluated 2022-05-11.

Conditions:
Angelman syndrome (AS). Also called: HAPPY PUPPET SYNDROME. Identifiers: Orphanet 72, MedGen C0162635, MONDO:0007113, OMIM 105830. Disease mechanism: loss of function. Inheritance: AS is caused by disruption of maternally imprinted UBE3A located within the 15q11.2-q13 Angelman syndrome/Prader-Willi syndrome (AS/PWS) region., imprinting disorder.

Submissions (4):

GeneDx
Classification: Pathogenic. Last evaluated: 2022-05-11. Review status: criteria provided, single submitter. Criteria: GeneDx Variant Classification Process June 2021. Collection method: clinical testing. Allele origin: germline. Affected: yes.
Comment: Frameshift variant predicted to result in protein truncation, as the last 63 amino acids are replaced with 6 different amino acids, and other loss-of-function variants have been reported downstream in HGMD; Not observed at significant frequency in large population cohorts (gnomAD); This variant is associated with the following publications: (PMID: 25212744, 35414530)

Labcorp Genetics (formerly Invitae), Labcorp
Classification: Pathogenic for Angelman syndrome. Last evaluated: 2021-11-16. Review status: criteria provided, single submitter. Criteria: Invitae Variant Classification Sherloc (09022015). Collection method: clinical testing. Allele origin: germline.
Comment: For these reasons, this variant has been classified as Pathogenic. This premature translational stop signal has been observed in individual(s) with Angelman syndrome (PMID: 25212744). This variant is not present in population databases (gnomAD no frequency). This sequence change creates a premature translational stop signal (p.Asp790Glufs*7) in the UBE3A gene. It is expected to result in an absent or disrupted protein product. Loss-of-function variants in UBE3A are known to be pathogenic (PMID: 25212744).

CeGaT Center for Human Genetics Tuebingen
Classification: Pathogenic. Last evaluated: 2019-04-01. Review status: criteria provided, single submitter. Criteria: CeGaT Center For Human Genetics Tuebingen Variant Classification Criteria Version 2. Collection method: clinical testing. Allele origin: germline. Affected: yes. Observed: 1 variant allele.

Baylor Genetics
Classification: Pathogenic for Angelman Syndrome. Last evaluated: 2014-02-14. Review status: no assertion criteria provided. Collection method: clinical testing. Allele origin: germline. Affected: yes. Observed: 1 variant allele. Study: UBE3A Mutation Study. Not counted in ClinVar's aggregate classification.
Comment: Data collected from clinical UBE3A sequence analysis results

Literature cited by the submitters: PubMed 25212744 (cited by Labcorp Genetics (formerly Invitae), Labcorp and Baylor Genetics).